The following is an entry in ClinVar:

NM_001042492.3(NF1):c.5019C>T (p.Asn1673=)

Gene: NF1 (neurofibromin 1; plus strand). Cytogenetic location: 17q11.2.
Variant type: single nucleotide variant.
Coding change: c.5019C>T on transcript NM_001042492.3 (MANE Select); coding-DNA position 5019, C replaced by T.
Protein change: p.Asn1673=; no amino-acid change (asparagine 1673 retained).
Molecular consequence: synonymous variant.
Genome position (GRCh38, 1-based): chr17:31,326,003, C>T. VCF-style: chr17-31326003-C-T. GRCh37 (hg19) VCF-style: chr17-29653021-C-T.
Other names: c.4956C>T, p.Asn1652= (NM_000267.4).
Identifiers: ClinVar variation 186756 (VCV000186756.17), dbSNP rs767699634, ClinGen allele CA195779.
Genomic context (GRCh38, chr17:31,326,003, plus strand): 5'-CTTTAAAACAGACTTTCTCTCTAAGTGGTTTGTTGTTTTTCCTGGCTTTGCTTACGACAA[C>T]GTCTCCGCAGTCTATATCTATAACTGTAACTCCTGGGTCAGGGAGTACACCAAGTATCAT-3'
Protein context (NP_001035957.1, residues 1663-1683): FVVFPGFAYD[Asn1673=]VSAVYIYNCN

ClinVar aggregate classification (germline): Benign/Likely benign. Review status: criteria provided, multiple submitters, no conflicts (2 of 4 stars). 7 submissions from 7 submitters: Benign (1); Likely benign (6). Last evaluated 2026-05-20.

Conditions:
Hereditary cancer-predisposing syndrome. Also called: Tumor predisposition; Neoplastic Syndromes, Hereditary; Hereditary neoplastic syndrome; Hereditary Cancer Syndrome. Identifiers: Orphanet 140162, MedGen C0027672, MeSH D009386, MONDO:0015356.
Neurofibromatosis, type 1 (NF1). Also called: NEUROFIBROMATOSIS, TYPE I, SOMATIC; Peripheral type neurofibromatosis; VON RECKLINGHAUSEN DISEASE; Neurofibromatosis, type I. Identifiers: Orphanet 636, MedGen C0027831, MONDO:0018975, OMIM 162200. Disease mechanism: loss of function.

Allele frequency attached by ClinVar (database versions not stated): ExAC 0.00001; gnomAD 0.00001; gnomAD exomes 0.00001 and 0.00002; TOPMed 0.00003.
gnomAD v4.1: 29 of 1,614,070 alleles (0.0018%); highest among the groups gnomAD compares: Non-Finnish European, 0.002%; no homozygotes.

Submissions (7):

Myriad Genetics, Inc.
Classification: Benign for Neurofibromatosis, type 1. Last evaluated: 2026-05-20. Review status: criteria provided, single submitter. Criteria: Myriad Autosomal Dominant, Autosomal Recessive and X-Linked Classification Criteria (2023). Collection method: clinical testing. Allele origin: unknown.
Comment: This variant is considered benign. This variant is a silent/synonymous amino acid change and it is not expected to impact splicing.

Labcorp Genetics (formerly Invitae), Labcorp
Classification: Likely benign for Neurofibromatosis, type 1. Last evaluated: 2025-12-21. Review status: criteria provided, single submitter. Criteria: Invitae Variant Classification Sherloc (09022015). Collection method: clinical testing. Allele origin: germline.

Genome-Nilou Lab
Classification: Likely benign for Neurofibromatosis, type 1. Last evaluated: 2022-03-15. Review status: criteria provided, single submitter. Criteria: ACMG Guidelines, 2015. Collection method: clinical testing. Allele origin: germline. Affected: no.

Sema4
Classification: Likely benign for Hereditary cancer-predisposing syndrome. Last evaluated: 2022-02-05. Review status: criteria provided, single submitter. Criteria: Sema4 Curation Guidelines. Collection method: curation. Allele origin: germline.

Blueprint Genetics
Classification: Likely benign. Last evaluated: 2021-07-23. Review status: criteria provided, single submitter. Criteria: ACMG Guidelines, 2015. Collection method: clinical testing. Allele origin: germline.

GeneDx
Classification: Likely benign. Last evaluated: 2020-04-27. Review status: criteria provided, single submitter. Criteria: GeneDx Variant Classification Process June 2021. Collection method: clinical testing. Allele origin: germline. Affected: yes.

Ambry Genetics
Classification: Likely benign for Hereditary cancer-predisposing syndrome. Last evaluated: 2014-10-22. Review status: criteria provided, single submitter. Criteria: Ambry Autosomal Dominant and X-Linked criteria (10/2015). Collection method: clinical testing. Allele origin: germline. Observed: 1 variant allele.